The following is an entry in ClinVar:

ClinVar aggregate classification (germline): Uncertain significance. Review status: criteria provided, multiple submitters, no conflicts (2 of 4 stars). 2 submissions from 2 submitters: Uncertain significance (2). Last evaluated 2023-08-04.

Allele frequency attached by ClinVar (database versions not stated): gnomAD 0.00001; TOPMed 0.00002; gnomAD exomes 0.00004; ExAC 0.00006.

Submissions (2):

Blueprint Genetics
Classification: Uncertain significance. Last evaluated: 2023-08-04. Review status: criteria provided, single submitter. Criteria: ACMG Guidelines, 2015. Collection method: clinical testing. Allele origin: germline.

Labcorp Genetics (formerly Invitae), Labcorp
Classification: Uncertain significance. Last evaluated: 2022-08-23. Review status: criteria provided, single submitter. Criteria: Invitae Variant Classification Sherloc (09022015). Collection method: clinical testing. Allele origin: germline.
Comment: This sequence change replaces arginine, which is basic and polar, with histidine, which is basic and polar, at codon 284 of the TRPM1 protein (p.Arg284His). This variant is present in population databases (rs751732321, gnomAD 0.007%). This variant has not been reported in the literature in individuals affected with TRPM1-related conditions. ClinVar contains an entry for this variant (Variation ID: 1057811). Algorithms developed to predict the effect of missense changes on protein structure and function (SIFT, PolyPhen-2, Align-GVGD) all suggest that this variant is likely to be disruptive. In summary, the available evidence is currently insufficient to determine the role of this variant in disease. Therefore, it has been classified as a Variant of Uncertain Significance.

NM_001252024.2(TRPM1):c.917G>A (p.Arg306His)

Gene: TRPM1 (transient receptor potential cation channel subfamily M member 1; minus strand). Cytogenetic location: 15q13.3.
Variant type: single nucleotide variant.
Coding change: c.917G>A on transcript NM_001252024.2 (MANE Select); coding-DNA position 917, G replaced by A.
Protein change: p.Arg306His; replaces arginine 306 with histidine.
Molecular consequence: missense variant.
Genome position (GRCh38, 1-based): chr15:31,063,166, C>T on the plus strand (G>A on the coding strand, the complement: TRPM1 is on the minus strand). VCF-style: chr15-31063166-C-T. GRCh37 (hg19) VCF-style: chr15-31355369-C-T.
Other names: c.968G>A, p.Arg323His (NM_001252020.2); c.851G>A, p.Arg284His (NM_002420.6); short protein forms R284H, R306H, R323H.
Identifiers: ClinVar variation 1057811 (VCV001057811.9), dbSNP rs751732321, ClinGen allele CA7452769.